The following is an entry in ClinVar:

NM_001035.3(RYR2):c.13371G>T (p.Lys4457Asn)

Gene: RYR2 (ryanodine receptor 2; plus strand). Cytogenetic location: 1q43.
Variant type: single nucleotide variant.
Coding change: c.13371G>T on transcript NM_001035.3 (MANE Select); coding-DNA position 13371, G replaced by T.
Protein change: p.Lys4457Asn; replaces lysine 4457 with asparagine.
Molecular consequence: missense variant.
Genome position (GRCh38, 1-based): chr1:237,788,030, G>T. VCF-style: chr1-237788030-G-T. GRCh37 (hg19) VCF-style: chr1-237951330-G-T.
Other names: short protein forms K4457N.
Identifiers: ClinVar variation 919300 (VCV000919300.17), dbSNP rs769311004, ClinGen allele CA085361.

ClinVar aggregate classification (germline): Conflicting classifications of pathogenicity. Review status: criteria provided, conflicting classifications (1 of 4 stars). 4 submissions from 4 submitters: Uncertain significance (3); Likely benign (1). Last evaluated 2025-12-13.

Conditions:
Cardiovascular phenotype. Identifiers: MedGen CN230736.
Catecholaminergic polymorphic ventricular tachycardia (CVPT). Also called: Catecholamine-induced polymorphic ventricular tachycardia. Identifiers: Orphanet 3286, MedGen C5574922, MONDO:0017990.
Cardiomyopathy (CMYO). Also called: Cardiomyopathies. Identifiers: Orphanet 167848, MedGen C0878544, MONDO:0004994, HP:0001638. Inheritance: Various modes of inheritance.
Catecholaminergic polymorphic ventricular tachycardia 1. Also called: VENTRICULAR TACHYCARDIA, CATECHOLAMINERGIC POLYMORPHIC, 1, WITH OR WITHOUT ATRIAL DYSFUNCTION AND/OR DILATED CARDIOMYOPATHY; RYR2-Related Catecholaminergic Polymorphic Ventricular Tachycardia; VENTRICULAR TACHYCARDIA, STRESS-INDUCED POLYMORPHIC 1. Identifiers: Orphanet 3286, MedGen C1631597, MONDO:0011484, OMIM 604772.

Submissions (4):

Labcorp Genetics (formerly Invitae), Labcorp
Classification: Likely benign for Catecholaminergic polymorphic ventricular tachycardia 1. Last evaluated: 2025-12-13. Review status: criteria provided, single submitter. Criteria: Invitae Variant Classification Sherloc (09022015). Collection method: clinical testing. Allele origin: germline.

Ambry Genetics
Classification: Uncertain significance for Cardiovascular phenotype. Last evaluated: 2025-10-15. Review status: criteria provided, single submitter. Criteria: Ambry Variant Classification Scheme 2023. Collection method: clinical testing. Allele origin: germline.
Comment: The p.K4457N variant (also known as c.13371G>T), located in coding exon 92 of the RYR2 gene, results from a G to T substitution at nucleotide position 13371. The lysine at codon 4457 is replaced by asparagine, an amino acid with similar properties. This amino acid position is well conserved in available vertebrate species. In addition, this alteration is predicted to be tolerated by in silico analysis. Based on the available evidence, the clinical significance of this variant remains unclear.

All of Us Research Program, National Institutes of Health
Classification: Uncertain significance for Catecholaminergic polymorphic ventricular tachycardia. Last evaluated: 2024-05-17. Review status: criteria provided, single submitter. Criteria: ACMG Guidelines, 2015. Collection method: clinical testing. Allele origin: germline. Inheritance: Autosomal dominant inheritance. Observed: 2 variant alleles, 2 heterozygotes.
Comment: This missense variant replaces lysine with asparagine at codon 4457 of the RYR2 protein. Computational prediction suggests that this variant may not impact protein structure and function (internally defined REVEL score threshold <= 0.5, PMID: 27666373). Splice site prediction tools suggest that this variant may not impact RNA splicing. To our knowledge, functional studies have not been performed for this variant. This variant has not been reported in individuals affected with cardiovascular disorders in the literature. This variant has been identified in 5/237302 chromosomes in the general population by the Genome Aggregation Database (gnomAD). The available evidence is insufficient to determine the role of this variant in disease conclusively. Therefore, this variant is classified as a Variant of Uncertain Significance.

This study involves interpretation of variants in research participants for the purpose of population health screening. Participant phenotype was not available at the time of variant classification. Additional details can be found in publication PMID: 35346344, PMCID: PMC8962531

Color Diagnostics, LLC DBA Color Health
Classification: Uncertain significance for Cardiomyopathy. Last evaluated: 2024-03-06. Review status: criteria provided, single submitter. Criteria: ACMG Guidelines, 2015. Collection method: clinical testing. Allele origin: germline.
Comment: This missense variant replaces lysine with asparagine at codon 4457 of the RYR2 protein. Computational prediction suggests that this variant may not impact protein structure and function (internally defined REVEL score threshold <= 0.5, PMID: 27666373). Splice site prediction tools suggest that this variant may not impact RNA splicing. To our knowledge, functional studies have not been performed for this variant. This variant has not been reported in individuals affected with cardiovascular disorders in the literature. This variant has been identified in 5/237302 chromosomes in the general population by the Genome Aggregation Database (gnomAD). The available evidence is insufficient to determine the role of this variant in disease conclusively. Therefore, this variant is classified as a Variant of Uncertain Significance.